The following is an entry in ClinVar:

NM_000492.4(CFTR):c.3294G>C (p.Trp1098Cys)

Genes: CFTR (CF transmembrane conductance regulator; plus strand), CFTR-AS2 (CFTR antisense RNA 2; minus strand), LOC111674472 (DNase I hypersensitive sites in introns 16 and 17a of CFTR; plus strand). Cytogenetic location: 7q31.2.
Variant type: single nucleotide variant.
Coding change: c.3294G>C on transcript NM_000492.4 (MANE Select); coding-DNA position 3294, G replaced by C.
Protein change: p.Trp1098Cys; replaces tryptophan 1098 with cysteine.
Molecular consequence: missense variant.
Genome position (GRCh38, 1-based): chr7:117,611,735, G>C. VCF-style: chr7-117611735-G-C. GRCh37 (hg19) VCF-style: chr7-117251789-G-C.
Other names: short protein forms W1098C.
Identifiers: ClinVar variation 53709 (VCV000053709.11), dbSNP rs397508533, ClinGen allele CA327132.

ClinVar aggregate classification (germline): Pathogenic. Review status: reviewed by expert panel (3 of 4 stars). 6 submissions from 6 submitters: Pathogenic (1). 5 of the submissions do not count toward it. Last evaluated 2018-08-31.

Conditions:
CFTR-related disorder (CFTR-RD). Also called: CFTR-related condition; CFTR-related disorders. Identifiers: MedGen C5924204, MONDO:7770004.
Cystic fibrosis (CF). Also called: MUCOVISCIDOSIS. Identifiers: Orphanet 586, MedGen C0010674, MONDO:0009061, OMIM 219700. Disease mechanism: loss of function.

Allele frequency attached by ClinVar (database versions not stated): gnomAD exomes 0.00001; ExAC 0.00001.
gnomAD v4.1: 3 of 1,613,390 alleles (0.00019%); highest among the groups gnomAD compares: Admixed American, 0.0033%; no homozygotes.

Submissions (6):

CFTR2
Classification: Pathogenic for Cystic fibrosis. Last evaluated: 2018-08-31. Review status: reviewed by expert panel. Criteria: Sosnay PR et al. (Nat Genet 2013). Collection method: research. Allele origin: germline. Affected: yes.

Mayo Clinic Laboratories, Mayo Clinic
Classification: Pathogenic. Last evaluated: 2024-11-12. Review status: criteria provided, single submitter. Criteria: ACMG Guidelines, 2015. Collection method: clinical testing. Allele origin: germline. Observed: 1 variant allele. Not counted in ClinVar's aggregate classification.
Comment: PP3, PP5, PM2_supporting, PM3, PM5, PS3

Women's Health and Genetics/Laboratory Corporation of America, LabCorp
Classification: Pathogenic for Cystic fibrosis. Last evaluated: 2024-02-26. Review status: criteria provided, single submitter. Criteria: LabCorp Variant Classification Summary - May 2015. Collection method: clinical testing. Allele origin: germline. Not counted in ClinVar's aggregate classification.
Comment: Variant summary: CFTR c.3294G>C (p.Trp1098Cys) results in a non-conservative amino acid change located in the ABC transporter type 1, transmembrane domain (IPR011527) of the encoded protein sequence. Five of five in-silico tools predict a damaging effect of the variant on protein function. The variant allele was found at a frequency of 8e-06 in 251088 control chromosomes. This variant has also been reported without the specification of the nucleotide level designation and a non-informative genotype (second allele not specified) in individuals with Cystic Fibrosis, and CBAVD (example, Perez_2007, Chavez-Saldana_2010, Saldana-Alvarez_2012). Additionally two different variants, namely, c.3294G>T (p.Trp1098Cys), and c.3292T>C (p.Trp1098Arg) have been classified internally classified on the pathogenic spectrum. Sick kids and the CFTR-France databases have reports of presumably the same patient, namely a newborn presenting with pulmonary symptoms, positive IRT, mildly elevated sweat chloride levels and p.F508del in trans. An additional study lists its presence (without nucleotide level specification) in cis with the 5T allele in an individual with CBAVD reportedly homozygous for the 5T allele (Danziger_2004). At least one publication reports experimental evidence evaluating an impact on protein function in-vitro (Han_2018). The most pronounced variant effect results in approximately 3.4% of normal residual CFTR function. The following publications have been ascertained in the context of this evaluation (PMID: 14998948, 10798368, 16963320, 21416780, 30046002, 32596391, 22103471). ClinVar contains an entry for this variant (Variation ID: 53709). Based on the evidence outlined above, the variant was classified as pathogenic.

Labcorp Genetics (formerly Invitae), Labcorp
Classification: Pathogenic for Cystic fibrosis. Last evaluated: 2023-05-30. Review status: criteria provided, single submitter. Criteria: Invitae Variant Classification Sherloc (09022015). Collection method: clinical testing. Allele origin: germline. Not counted in ClinVar's aggregate classification.
Comment: This sequence change replaces tryptophan, which is neutral and slightly polar, with cysteine, which is neutral and slightly polar, at codon 1098 of the CFTR protein (p.Trp1098Cys). This variant is present in population databases (rs397508533, gnomAD 0.006%). This missense change has been observed in individual(s) with cystic fibrosis (PMID: 10798368, 14998948, 16963320, 21416780, 30046002, 32227567). ClinVar contains an entry for this variant (Variation ID: 53709). Advanced modeling of protein sequence and biophysical properties (such as structural, functional, and spatial information, amino acid conservation, physicochemical variation, residue mobility, and thermodynamic stability) performed at Invitae indicates that this missense variant is expected to disrupt CFTR protein function. This variant disrupts the p.Trp1098 amino acid residue in CFTR. Other variant(s) that disrupt this residue have been determined to be pathogenic (PMID: 7537150, 8662892). This suggests that this residue is clinically significant, and that variants that disrupt this residue are likely to be disease-causing. For these reasons, this variant has been classified as Pathogenic.

CFTR-France
Classification: Pathogenic for cystic fibrosis; CFTR-related disorders. Last evaluated: 2020-09-08. Review status: criteria provided, single submitter. Criteria: Claustres M et al. (Hum Mutat 2017). Collection method: curation. Allele origin: germline. Affected: yes. Not counted in ClinVar's aggregate classification.
Comment: the variant causes a phenotype but regarding our data, we can't formally attribute it to CF, CFTR-RD or both

ClinVar Staff, National Center for Biotechnology Information (NCBI)
No classification provided. Condition: CFTR-related disorders. Review status: no classification provided. Collection method: literature only. Allele origin: germline. Affected: yes. Not counted in ClinVar's aggregate classification.

Literature cited by the submitters: PubMed 10798368 (cited by 3 submitters); PubMed 14998948 (cited by 3 submitters); PubMed 15858154 (cited by Mayo Clinic Laboratories, Mayo Clinic); PubMed 32227567 (cited by Mayo Clinic Laboratories, Mayo Clinic and Labcorp Genetics (formerly Invitae), Labcorp); PubMed 36832409 (cited by Mayo Clinic Laboratories, Mayo Clinic); PubMed 37310422 (cited by Mayo Clinic Laboratories, Mayo Clinic); PubMed 38388235 (cited by Mayo Clinic Laboratories, Mayo Clinic); PubMed 16963320 (cited by Women's Health and Genetics/Laboratory Corporation of America, LabCorp and Labcorp Genetics (formerly Invitae), Labcorp); PubMed 21416780 (cited by 3 submitters); PubMed 30046002 (cited by Women's Health and Genetics/Laboratory Corporation of America, LabCorp and Labcorp Genetics (formerly Invitae), Labcorp); PubMed 32596391 (cited by Women's Health and Genetics/Laboratory Corporation of America, LabCorp); PubMed 22103471 (cited by Women's Health and Genetics/Laboratory Corporation of America, LabCorp); PubMed 7537150 (cited by Labcorp Genetics (formerly Invitae), Labcorp); PubMed 8662892 (cited by Labcorp Genetics (formerly Invitae), Labcorp).